The following is an entry in ClinVar:

ClinVar aggregate classification (germline): Uncertain significance (1 of 4 stars; one submission).

Conditions:
Baller-Gerold syndrome (BGS). Also called: CRANIOSYNOSTOSIS WITH RADIAL DEFECTS. Identifiers: Orphanet 1225, MedGen C0265308, MONDO:0009039, OMIM 218600.

Allele frequency attached by ClinVar (database versions not stated): TOPMed 0.00001; gnomAD 0.00002; gnomAD exomes 0.00005; ExAC 0.00019.
gnomAD v4.1: 19 of 1,588,454 alleles (0.0012%); highest among the groups gnomAD compares: Non-Finnish European, 0.0013%; no homozygotes.

Submission:

Labcorp Genetics (formerly Invitae), Labcorp
Classification: Uncertain significance for Baller-Gerold syndrome. Last evaluated: 2021-11-11. Review status: criteria provided, single submitter. Criteria: Invitae Variant Classification Sherloc (09022015). Collection method: clinical testing. Allele origin: germline.
Comment: This sequence change replaces methionine, which is neutral and non-polar, with threonine, which is neutral and polar, at codon 898 of the RECQL4 protein (p.Met898Thr). This variant is present in population databases (rs771630323, gnomAD 0.01%). This variant has not been reported in the literature in individuals affected with RECQL4-related conditions. ClinVar contains an entry for this variant (Variation ID: 841400). Experimental studies and prediction algorithms are not available or were not evaluated, and the functional significance of this variant is currently unknown. In summary, the available evidence is currently insufficient to determine the role of this variant in disease. Therefore, it has been classified as a Variant of Uncertain Significance.

NM_004260.4(RECQL4):c.2693T>C (p.Met898Thr)

Gene: RECQL4 (RecQ like helicase 4; minus strand). Cytogenetic location: 8q24.3.
Variant type: single nucleotide variant.
Coding change: c.2693T>C on transcript NM_004260.4 (MANE Select); coding-DNA position 2693, T replaced by C.
Protein change: p.Met898Thr; replaces methionine 898 with threonine.
Molecular consequence: missense variant.
Genome position (GRCh38, 1-based): chr8:144,512,909, A>G on the plus strand (T>C on the coding strand, the complement: RECQL4 is on the minus strand). VCF-style: chr8-144512909-A-G. GRCh37 (hg19) VCF-style: chr8-145738292-A-G.
Other names: short protein forms M898T.
Identifiers: ClinVar variation 841400 (VCV000841400.4), dbSNP rs771630323, ClinGen allele CA4948144.